The following is an entry in ClinVar:

ClinVar aggregate classification (germline): Benign/Likely benign. Review status: criteria provided, multiple submitters, no conflicts (2 of 4 stars). 3 submissions from 3 submitters: Benign (1); Likely benign (2). Last evaluated 2026-04-17.

Conditions:
DICER1-related tumor predisposition. Also called: DICER1 syndrome; DICER1-related pleuropulmonary blastoma cancer predisposition syndrome. Identifiers: Orphanet 284343, MedGen C3839822, MONDO:0100216.
Hereditary cancer-predisposing syndrome. Also called: Neoplastic Syndromes, Hereditary; Tumor predisposition; Hereditary Cancer Syndrome; Hereditary neoplastic syndrome. Identifiers: Orphanet 140162, MedGen C0027672, MeSH D009386, MONDO:0015356.

Submissions (3):

Myriad Genetics, Inc.
Classification: Benign for DICER1-related tumor predisposition. Last evaluated: 2026-04-17. Review status: criteria provided, single submitter. Criteria: Myriad Autosomal Dominant, Autosomal Recessive and X-Linked Classification Criteria (2023). Collection method: clinical testing. Allele origin: unknown.
Comment: This variant is considered benign. This variant is a silent/synonymous amino acid change and it is not expected to impact splicing.

Labcorp Genetics (formerly Invitae), Labcorp
Classification: Likely benign for DICER1-related tumor predisposition. Last evaluated: 2025-07-31. Review status: criteria provided, single submitter. Criteria: Invitae Variant Classification Sherloc (09022015). Collection method: clinical testing. Allele origin: germline.

Ambry Genetics
Classification: Likely benign for Hereditary cancer-predisposing syndrome. Last evaluated: 2020-03-18. Review status: criteria provided, single submitter. Criteria: Ambry Variant Classification Scheme 2023. Collection method: clinical testing. Allele origin: germline.

NM_177438.3(DICER1):c.3195G>A (p.Leu1065=)

Gene: DICER1 (dicer 1, ribonuclease III; minus strand). Cytogenetic location: 14q32.13.
Variant type: single nucleotide variant.
Coding change: c.3195G>A on transcript NM_177438.3 (MANE Select); coding-DNA position 3195, G replaced by A.
Protein change: p.Leu1065=; no amino-acid change (leucine 1065 retained).
Molecular consequence: synonymous variant.
Genome position (GRCh38, 1-based): chr14:95,105,145, C>T on the plus strand (G>A on the coding strand, the complement: DICER1 is on the minus strand). VCF-style: chr14-95105145-C-T. GRCh37 (hg19) VCF-style: chr14-95571482-C-T.
Other names: c.3195G>A, p.Leu1065= (NM_001195573.1, NM_001271282.3, NM_001291628.2 and 1 more transcripts).
Identifiers: ClinVar variation 1093510 (VCV001093510.13), dbSNP rs1595370791, ClinGen allele CA487626249.
Genomic context (GRCh38, chr14:95,105,145, plus strand): 5'-AAGTGATCTGACTCCCACGCCAGCATCGCTGGCAGTCTGGGCTCTTAGCTCCTCTGCAGT[C>T]AAAAGGCAGTGAAGGCGATAAAGTATGCTGGGGAGACAAACAGCTTTTCTCCACAGTGAT-3'
Protein context (NP_803187.1, residues 1055-1075): PSILYRLHCL[Leu1065=]TAEELRAQTA